The following is an entry in ClinVar:

ClinVar aggregate classification (germline): Uncertain significance. Review status: criteria provided, multiple submitters, no conflicts (2 of 4 stars). 3 submissions from 3 submitters: Uncertain significance (3). Last evaluated 2023-06-02.

Conditions:
Progressive familial heart block type IB (PFHB1B). Identifiers: Orphanet 871, MedGen C1970298, MONDO:0011474, OMIM 604559.
Erythrokeratodermia variabilis et progressiva 6. Identifiers: MedGen C5193144, MONDO:0032801, OMIM 618531.

Allele frequency attached by ClinVar (database versions not stated): TOPMed 0.00001; gnomAD 0.00001; gnomAD exomes 0.00001.
gnomAD v4.1: 14 of 1,534,798 alleles (0.00091%); highest among the groups gnomAD compares: East Asian, 0.0049%; no homozygotes.

Submissions (3):

Labcorp Genetics (formerly Invitae), Labcorp
Classification: Uncertain significance for Progressive familial heart block type IB. Last evaluated: 2023-06-02. Review status: criteria provided, single submitter. Criteria: Invitae Variant Classification Sherloc (09022015). Collection method: clinical testing. Allele origin: germline.
Comment: In summary, the available evidence is currently insufficient to determine the role of this variant in disease. Therefore, it has been classified as a Variant of Uncertain Significance. An algorithm developed to predict the effect of missense changes on protein structure and function (PolyPhen-2) suggests that this variant is likely to be tolerated. This sequence change replaces proline, which is neutral and non-polar, with arginine, which is basic and polar, at codon 4 of the TRPM4 protein (p.Pro4Arg). ClinVar contains an entry for this variant (Variation ID: 577534). This variant has not been reported in the literature in individuals affected with TRPM4-related conditions. This variant is present in population databases (no rsID available, gnomAD 0.01%).

Fulgent Genetics
Classification: Uncertain significance for Progressive familial heart block type IB; Erythrokeratodermia variabilis et progressiva 6. Last evaluated: 2021-09-21. Review status: criteria provided, single submitter. Criteria: ACMG Guidelines, 2015. Collection method: clinical testing. Allele origin: unknown.

GeneDx
Classification: Uncertain significance. Last evaluated: 2019-11-27. Review status: criteria provided, single submitter. Criteria: GeneDx Variant Classification Process June 2021. Collection method: clinical testing. Allele origin: germline. Affected: yes.
Comment: Has not been previously published as pathogenic or benign to our knowledge; In silico analysis, which includes protein predictors and evolutionary conservation, supports that this variant does not alter protein structure/function

NM_017636.4(TRPM4):c.11C>G (p.Pro4Arg)

Gene: TRPM4 (transient receptor potential cation channel subfamily M member 4; plus strand). Cytogenetic location: 19q13.33.
Variant type: single nucleotide variant.
Coding change: c.11C>G on transcript NM_017636.4 (MANE Select); coding-DNA position 11, C replaced by G.
Protein change: p.Pro4Arg; replaces proline 4 with arginine.
Molecular consequence: missense variant. On other transcripts: 5 prime UTR variant (3).
Genome position (GRCh38, 1-based): chr19:49,157,877, C>G. VCF-style: chr19-49157877-C-G. GRCh37 (hg19) VCF-style: chr19-49661134-C-G.
Other names: c.11C>G, p.Pro4Arg (NM_001195227.2, NM_001321281.2); c.-1362C>G (NM_001321282.2); c.-156C>G (NM_001321283.2); c.-319C>G (NM_001321285.2); short protein forms P4R.
Identifiers: ClinVar variation 577534 (VCV000577534.12), dbSNP rs1318656879, ClinGen allele CA406787663.